The following is an entry in ClinVar:

ClinVar aggregate classification (germline): Benign/Likely benign. Review status: criteria provided, multiple submitters, no conflicts (2 of 4 stars). 11 submissions from 11 submitters: Benign (4); Likely benign (4). 3 of the submissions do not count toward it. Last evaluated 2026-02-04.

Conditions:
Inborn genetic diseases. Identifiers: MedGen C0950123, MeSH D030342.
Neuronal ceroid lipofuscinosis. Also called: Neuronal Ceroid Lipofuscinoses. Identifiers: Orphanet 216, Orphanet 79263, MedGen C0027877, MONDO:0016295. Disease mechanism: loss of function.
Neuronal ceroid lipofuscinosis 10 (CLN10). Also called: NEURONAL CEROID LIPOFUSCINOSIS DUE TO CATHEPSIN D DEFICIENCY; CTSD-Related Neuronal Ceroid-Lipofuscinosis. Identifiers: Orphanet 228337, MedGen C1864669, MONDO:0012414, OMIM 610127.

Allele frequency attached by ClinVar (database versions not stated): 1000 Genomes Project 0.00160; 1000 Genomes Project 30x 0.00187; ESP Exome Variant Server 0.00431; TOPMed 0.00443; gnomAD 0.00468 and 0.00470; gnomAD exomes 0.00504 and 0.00538; ExAC 0.00527.
gnomAD v4.1: 8,021 of 1,587,532 alleles (0.51%); highest among the groups gnomAD compares: Middle Eastern, 1.4%; 47 homozygotes.

Submissions (11):

Labcorp Genetics (formerly Invitae), Labcorp
Classification: Benign for Neuronal ceroid lipofuscinosis. Last evaluated: 2026-02-04. Review status: criteria provided, single submitter. Criteria: Invitae Variant Classification Sherloc (09022015). Collection method: clinical testing. Allele origin: germline.

Blueprint Genetics
Classification: Likely benign. Last evaluated: 2024-11-25. Review status: criteria provided, single submitter. Criteria: ACMG Guidelines, 2015. Collection method: clinical testing. Allele origin: germline.

Fulgent Genetics
Classification: Likely benign for Neuronal ceroid lipofuscinosis 10. Last evaluated: 2021-09-13. Review status: criteria provided, single submitter. Criteria: ACMG Guidelines, 2015. Collection method: clinical testing. Allele origin: unknown.

Ambry Genetics
Classification: Benign for Inborn genetic diseases. Last evaluated: 2018-09-24. Review status: criteria provided, single submitter. Criteria: Ambry Variant Classification Scheme 2023. Collection method: clinical testing. Allele origin: germline.

Illumina Laboratory Services, Illumina
Classification: Likely benign for Neuronal ceroid lipofuscinosis 10. Last evaluated: 2018-01-13. Review status: criteria provided, single submitter. Criteria: ICSL Variant Classification Criteria 13 December 2019. Collection method: clinical testing. Allele origin: germline.
Comment: This variant was observed in the ICSL laboratory as part of a predisposition screen in an ostensibly healthy population. It had not been previously curated by ICSL or reported in the Human Gene Mutation Database (HGMD: prior to June 1st, 2018), and was therefore a candidate for classification through an automated scoring system. Utilizing variant allele frequency, disease prevalence and penetrance estimates, and inheritance mode, an automated score was calculated to assess if this variant is too frequent to cause the disease. Based on the score and internal cut-off values, a variant classified as likely benign is not then subjected to further curation. The score for this variant resulted in a classification of likely benign for this disease.

Genome Diagnostics Laboratory, University Medical Center Utrecht
Classification: Benign for Neuronal ceroid lipofuscinosis 10. Last evaluated: 2014-10-09. Review status: criteria provided, single submitter. Criteria: ACGS Guidelines, 2013. Collection method: clinical testing. Allele origin: germline. Affected: yes. Study: VKGL Data-share Consensus.

GeneDx
Classification: Benign. Last evaluated: 2012-10-19. Review status: criteria provided, single submitter. Criteria: GeneDx Variant Classification (06012015). Collection method: clinical testing. Allele origin: germline. Affected: yes.
Comment: This variant is considered likely benign or benign based on one or more of the following criteria: it is a conservative change, it occurs at a poorly conserved position in the protein, it is predicted to be benign by multiple in silico algorithms, and/or has population frequency not consistent with disease.

Breakthrough Genomics
Classification: Likely benign. Review status: criteria provided, single submitter. Criteria: ACMG Guidelines, 2015. Collection method: not provided. Allele origin: germline. Inheritance: Autosomal recessive inheritance. Affected: yes.

Mayo Clinic Laboratories, Mayo Clinic
Classification: Likely benign. Last evaluated: 2017-02-23. Review status: no assertion criteria provided. Collection method: clinical testing. Allele origin: unknown. Not counted in ClinVar's aggregate classification.

Diagnostic Laboratory, Department of Genetics, University Medical Center Groningen
Classification: Likely benign for Neuronal ceroid lipofuscinosis 10. Review status: no assertion criteria provided. Collection method: clinical testing. Allele origin: germline. Affected: yes. Study: VKGL Data-share Consensus. Not counted in ClinVar's aggregate classification.

Genome Diagnostics Laboratory, Amsterdam University Medical Center
Classification: Benign. Review status: no assertion criteria provided. Collection method: clinical testing. Allele origin: germline. Affected: yes. Study: VKGL Data-share Consensus. Not counted in ClinVar's aggregate classification.

NM_001909.5(CTSD):c.353-12C>T

Gene: CTSD (cathepsin D; minus strand). Cytogenetic location: 11p15.5.
Variant type: single nucleotide variant.
Coding change: c.353-12C>T on transcript NM_001909.5 (MANE Select); 12 bases into the intron before coding-DNA position 353, C replaced by T.
Molecular consequence: intron variant.
Genome position (GRCh38, 1-based): chr11:1,759,099, G>A on the plus strand (C>T on the coding strand, the complement: CTSD is on the minus strand). VCF-style: chr11-1759099-G-A. GRCh37 (hg19) VCF-style: chr11-1780329-G-A.
Identifiers: ClinVar variation 137055 (VCV000137055.25), dbSNP rs141523461, ClinGen allele CA290549.